The following is an entry in ClinVar:

NM_000021.4(PSEN1):c.318T>C (p.Tyr106=)

Gene: PSEN1 (presenilin 1; plus strand). Cytogenetic location: 14q24.2.
Variant type: single nucleotide variant.
Coding change: c.318T>C on transcript NM_000021.4 (MANE Select); coding-DNA position 318, T replaced by C.
Protein change: p.Tyr106=; no amino-acid change (tyrosine 106 retained).
Molecular consequence: synonymous variant.
Genome position (GRCh38, 1-based): chr14:73,171,027, T>C. VCF-style: chr14-73171027-T-C. GRCh37 (hg19) VCF-style: chr14-73637735-T-C.
Other names: c.306T>C, p.Tyr102= (NM_007318.3).
Identifiers: ClinVar variation 4085172 (VCV004085172.8).

ClinVar aggregate classification (germline): Likely benign (1 of 4 stars; one submission).

Submission:

CeGaT Center for Human Genetics Tuebingen
Classification: Likely benign. Last evaluated: 2025-06-01. Review status: criteria provided, single submitter. Criteria: CeGaT Center For Human Genetics Tuebingen Variant Classification Criteria Version 2. Collection method: clinical testing. Allele origin: germline. Affected: yes. Observed: 1 variant allele.
Comment: PSEN1: PM2:Supporting, BP4, BP7